The following is an entry in ClinVar:

NM_000090.4(COL3A1):c.667C>T (p.Pro223Ser)

Gene: COL3A1 (collagen type III alpha 1 chain; plus strand). Cytogenetic location: 2q32.2.
Variant type: single nucleotide variant.
Coding change: c.667C>T on transcript NM_000090.4 (MANE Select); coding-DNA position 667, C replaced by T.
Protein change: p.Pro223Ser; replaces proline 223 with serine.
Molecular consequence: missense variant.
Genome position (GRCh38, 1-based): chr2:188,989,426, C>T. VCF-style: chr2-188989426-C-T. GRCh37 (hg19) VCF-style: chr2-189854152-C-T.
Other names: short protein forms P223S.
Identifiers: ClinVar variation 920471 (VCV000920471.20), dbSNP rs1325737333, ClinGen allele CA349848821.

ClinVar aggregate classification (germline): Uncertain significance. Review status: criteria provided, multiple submitters, no conflicts (2 of 4 stars). 7 submissions from 7 submitters: Uncertain significance (7). Last evaluated 2026-01-19.

Conditions:
Familial thoracic aortic aneurysm and aortic dissection (TAAD). Also called: Thoracic aortic aneurysms and dissections. Identifiers: Orphanet 91387, MedGen C4707243, MONDO:0019625.
Ehlers-Danlos syndrome, type 4 (EDSVASC). Also called: Ehlers-Danlos Syndrome Type IV; Ehlers-Danlos syndrome vascular type; Ehlers Danlos syndrome, ecchymotic type; Ehlers Danlos syndrome, arterial type; Ehlers Danlos syndrome, Sack-Barabas type. Identifiers: Orphanet 286, MedGen C0268338, MONDO:0017314, OMIM 130050.

Allele frequency attached by ClinVar (database versions not stated): gnomAD exomes below 0.00001; TOPMed below 0.00001; gnomAD 0.00001.
gnomAD v4.1: 6 of 1,606,794 alleles (0.00037%); highest among the groups gnomAD compares: Non-Finnish European, 0.00051%; no homozygotes.

Submissions (7):

Labcorp Genetics (formerly Invitae), Labcorp
Classification: Uncertain significance for Ehlers-Danlos syndrome, type 4. Last evaluated: 2026-01-19. Review status: criteria provided, single submitter. Criteria: Invitae Variant Classification Sherloc (09022015). Collection method: clinical testing. Allele origin: germline.
Comment: This sequence change replaces proline, which is neutral and non-polar, with serine, which is neutral and polar, at codon 223 of the COL3A1 protein (p.Pro223Ser). This variant is not present in population databases (gnomAD no frequency). This variant has not been reported in the literature in individuals affected with COL3A1-related conditions. ClinVar contains an entry for this variant (Variation ID: 920471). Invitae Evidence Modeling of protein sequence and biophysical properties (such as structural, functional, and spatial information, amino acid conservation, physicochemical variation, residue mobility, and thermodynamic stability) has been performed for this missense variant. However, the output from this modeling did not meet the statistical confidence thresholds required to predict the impact of this variant on COL3A1 protein function. In summary, the available evidence is currently insufficient to determine the role of this variant in disease. Therefore, it has been classified as a Variant of Uncertain Significance.

Ambry Genetics
Classification: Uncertain significance for Familial thoracic aortic aneurysm and aortic dissection. Last evaluated: 2026-01-02. Review status: criteria provided, single submitter. Criteria: Ambry Variant Classification Scheme 2023. Collection method: clinical testing. Allele origin: germline.
Comment: The p.P223S variant (also known as c.667C>T), located in coding exon 8 of the COL3A1 gene, results from a C to T substitution at nucleotide position 667. The proline at codon 223 is replaced by serine, an amino acid with similar properties. This amino acid position is highly conserved in available vertebrate species. In addition, the in silico prediction for this alteration is inconclusive. Based on the available evidence, the clinical significance of this variant remains unclear.

Women's Health and Genetics/Laboratory Corporation of America, LabCorp
Classification: Uncertain significance. Last evaluated: 2025-05-06. Review status: criteria provided, single submitter. Criteria: LabCorp Variant Classification Summary - May 2015. Collection method: clinical testing. Allele origin: germline.
Comment: Variant summary: COL3A1 c.667C>T (p.Pro223Ser) results in a non-conservative amino acid change in the encoded protein sequence. Algorithms developed to predict the effect of missense changes on protein structure and function all suggest that this variant is likely to be disruptive. The variant was absent in 244016 control chromosomes (gnomAD). The available data on variant occurrences in the general population are insufficient to allow any conclusion about variant significance. To our knowledge, no occurrence of c.667C>T in individuals affected with Polymicrogyria with or without vascular-type Ehlers-Danlos syndrome and no experimental evidence demonstrating its impact on protein function have been reported. ClinVar contains an entry for this variant (Variation ID: 920471). Based on the evidence outlined above, the variant was classified as uncertain significance.

All of Us Research Program, National Institutes of Health
Classification: Uncertain significance for Ehlers-Danlos syndrome, type 4. Last evaluated: 2024-03-05. Review status: criteria provided, single submitter. Criteria: ACMG Guidelines, 2015. Collection method: clinical testing. Allele origin: germline. Inheritance: Autosomal dominant inheritance. Observed: 7 variant alleles, 7 heterozygotes.
Comment: This missense variant replaces proline with serine at codon 223 of the COL3A1 protein. Computational prediction tools and conservation analyses suggest that this variant may have deleterious impact on protein structure and function. Splice site prediction tools suggest that this variant may not impact RNA splicing. To our knowledge, functional studies have not been performed for this variant. This variant has not been reported in individuals affected with cardiovascular disorders in the literature. This variant has not been identified in the general population by the Genome Aggregation Database (gnomAD). The available evidence is insufficient to determine the role of this variant in disease conclusively. Therefore, this variant is classified as a Variant of Uncertain Significance.

This study involves interpretation of variants in research participants for the purpose of population health screening. Participant phenotype was not available at the time of variant classification. Additional details can be found in publication PMID: 35346344, PMCID: PMC8962531

Color Diagnostics, LLC DBA Color Health
Classification: Uncertain significance for Familial thoracic aortic aneurysm and aortic dissection. Last evaluated: 2023-08-02. Review status: criteria provided, single submitter. Criteria: ACMG Guidelines, 2015. Collection method: clinical testing. Allele origin: germline.
Comment: This missense variant replaces proline with serine at codon 223 of the COL3A1 protein. Computational prediction is inconclusive regarding the impact of this variant on protein structure and function (internally defined REVEL score threshold 0.5 < inconclusive < 0.7, PMID: 27666373). To our knowledge, functional studies have not been reported for this variant. This variant has not been reported in individuals affected with COL3A1-related disorders in the literature. This variant has not been identified in the general population by the Genome Aggregation Database (gnomAD). The available evidence is insufficient to determine the role of this variant in disease conclusively. Therefore, this variant is classified as a Variant of Uncertain Significance.

GeneDx
Classification: Uncertain significance. Last evaluated: 2023-06-20. Review status: criteria provided, single submitter. Criteria: GeneDx Variant Classification Process June 2021. Collection method: clinical testing. Allele origin: germline. Affected: yes.
Comment: Not observed at significant frequency in large population cohorts (gnomAD); Occurs in the triple helical domain at the X position in the canonical Gly-X-Y repeat; although this variant may have an effect on normal protein folding and function, missense substitution at the X position is not a common mechanism of disease (HGMD); In silico analysis supports that this missense variant has a deleterious effect on protein structure/function; Has not been previously published as pathogenic or benign to our knowledge

Blueprint Genetics
Classification: Uncertain significance. Last evaluated: 2021-07-20. Review status: criteria provided, single submitter. Criteria: ACMG Guidelines, 2015. Collection method: clinical testing. Allele origin: germline.